The following is an entry in ClinVar:

NM_004036.5(ADCY3):c.1955T>C (p.Leu652Pro)

Gene: ADCY3 (adenylate cyclase 3; minus strand). Cytogenetic location: 2p23.3.
Variant type: single nucleotide variant.
Coding change: c.1955T>C on transcript NM_004036.5 (MANE Select); coding-DNA position 1955, T replaced by C.
Protein change: p.Leu652Pro; replaces leucine 652 with proline.
Molecular consequence: missense variant.
Genome position (GRCh38, 1-based): chr2:24,834,497, A>G on the plus strand (T>C on the coding strand, the complement: ADCY3 is on the minus strand). VCF-style: chr2-24834497-A-G. GRCh37 (hg19) VCF-style: chr2-25057366-A-G.
Other names: c.1955T>C, p.Leu652Pro (NM_001320613.2, NM_001377129.1, NM_001377130.1 and 1 more transcripts); c.2021T>C, p.Leu674Pro (NM_001377128.1); c.1232T>C, p.Leu411Pro (NM_001377131.1); short protein forms L411P, L652P, L674P.
Identifiers: ClinVar variation 4981686 (VCV004981686.1).
Genomic context (GRCh38, chr2:24,834,497, plus strand): 5'-ACCACCGCAGCCGAGGAAACTCGTGGCCCTCCCCGGCCCCTCCCTCACCAGGGGTCGATG[A>G]GTATCTCGACCAGGGCCGTGCAGAGCAGGACGACGCAGGAGCAGCTGAAGGCAGCCCCAC-3'
Protein context (NP_004027.2, residues 642-662): VLLCTALVEI[Leu652Pro]IDPWLMTNYV

ClinVar aggregate classification (germline): Uncertain significance (1 of 4 stars; one submission).

Conditions:
ADCY3-related disorder. Also called: ADCY3-related condition.

gnomAD v4.1: 4 of 1,601,748 alleles (0.00025%); highest among the groups gnomAD compares: South Asian, 0.0044%; no homozygotes.

Submission:

PreventionGenetics, part of Exact Sciences
Classification: Uncertain significance for ADCY3-related condition. Last evaluated: 2026-01-23. Review status: criteria provided, single submitter. Criteria: ACMG Guidelines, 2015. Collection method: clinical testing. Allele origin: germline.
Comment: The ADCY3 c.1955T>C variant is predicted to result in the amino acid substitution p.Leu652Pro. To our knowledge, this variant has not been reported in the literature. This variant is reported in 0.0098% of alleles in individuals of South Asian descent in gnomAD. At this time, the clinical significance of this variant is uncertain due to the absence of conclusive functional and genetic evidence.